The following is an entry in ClinVar:

ClinVar aggregate classification (germline): Likely benign. Review status: criteria provided, single submitter (1 of 4 stars). 2 submissions from 2 submitters: Likely benign (1). 1 of the submissions does not count toward it. Last evaluated 2024-07-22.

Conditions:
CBS-related disorder. Also called: CBS-related condition.

Submissions (2):

Blueprint Genetics
Classification: Likely benign. Last evaluated: 2024-07-22. Review status: criteria provided, single submitter. Criteria: ACMG Guidelines, 2015. Collection method: clinical testing. Allele origin: germline.

PreventionGenetics, part of Exact Sciences
Classification: Likely benign for CBS-related condition. Last evaluated: 2020-11-24. Review status: no assertion criteria provided. Collection method: clinical testing. Allele origin: germline. Not counted in ClinVar's aggregate classification.
Comment: This variant is classified as likely benign based on ACMG/AMP sequence variant interpretation guidelines (Richards et al. 2015 PMID: 25741868, with internal and published modifications).

NM_000071.3(CBS):c.316+726G>A

Gene: CBS (cystathionine beta-synthase; minus strand). Cytogenetic location: 21q22.3.
Variant type: single nucleotide variant.
Coding change: c.316+726G>A on transcript NM_000071.3 (MANE Select); 726 bases into the intron after coding-DNA position 316, G replaced by A.
Molecular consequence: intron variant. On other transcripts: 5 prime UTR variant (1).
Genome position (GRCh38, 1-based): chr21:43,067,783, C>T on the plus strand (G>A on the coding strand, the complement: CBS is on the minus strand). VCF-style: chr21-43067783-C-T. GRCh37 (hg19) VCF-style: chr21-44487893-C-T.
Other names: c.-5G>A (NM_001321072.1); c.316+726G>A (NM_001320298.2, NM_001178009.3, NM_001178008.3).
Identifiers: ClinVar variation 3035418 (VCV003035418.3), dbSNP rs752586952, ClinGen allele CA321099615.
Genomic context (GRCh38, chr21:43,067,783, plus strand): 5'-CTGGCCCTGTCGCGGGGTTCTCCGCGGCACCCTTCCTGCCTCCCTCCGAACTCACTTGGC[C>T]TTGGTCATCTGAAATACGAAATTCCGTCCCCGCCTTGTCCCCAAGGCCTCTGCACCCACA-3'